The following is an entry in ClinVar:

ClinVar aggregate classification (germline): Uncertain significance (1 of 4 stars; one submission).

Conditions:
Frontotemporal dementia (FTD1). Also called: Frontotemporal Dementia with Parkinsonism-17 (FTDP-17); Frontotemporal lobe dementia (FLDEM); WILHELMSEN-LYNCH DISEASE; Dementia, frontotemporal, with or without parkinsonism; FRONTOTEMPORAL DEMENTIA WITH PARKINSONISM; FRONTOTEMPORAL LOBE DEMENTIA. Identifiers: Orphanet 282, MedGen C0338451, MONDO:0017276, OMIM 600274, HP:0002145.

Submission:

Labcorp Genetics (formerly Invitae), Labcorp
Classification: Uncertain significance for Frontotemporal dementia. Last evaluated: 2022-01-14. Review status: criteria provided, single submitter. Criteria: Invitae Variant Classification Sherloc (09022015). Collection method: clinical testing. Allele origin: germline.
Comment: The MAPT gene has multiple clinically relevant transcripts. This variant occurs in alternate transcript NM_001123066.3, and corresponds to NM_005910.5:c.374-3831_374-3821del in the primary transcript. This sequence change creates a premature translational stop signal (p.Phe136Alafs*22) in the MAPT gene. It is expected to result in an absent or disrupted protein product. However, the current clinical and genetic evidence is not sufficient to establish whether loss-of-function variants in MAPT cause disease. This variant is not present in population databases (gnomAD no frequency). This variant has not been reported in the literature in individuals affected with MAPT-related conditions. ClinVar contains an entry for this variant (Variation ID: 665115). Algorithms developed to predict the effect of sequence changes on RNA splicing suggest that this variant is not likely to affect RNA splicing. In summary, the available evidence is currently insufficient to determine the role of this variant in disease. Therefore, it has been classified as a Variant of Uncertain Significance.

NM_001377265.1(MAPT):c.630_640del (p.Phe211fs)

Gene: MAPT (microtubule associated protein tau). Cytogenetic location: 17q21.31.
Variant type: Deletion.
Coding change: c.630_640del on transcript NM_001377265.1 (MANE Select); coding-DNA positions 630 to 640, 11 bases deleted.
Protein change: p.Phe211fs; shifts the reading frame from phenylalanine 211.
Molecular consequence: frameshift variant. On other transcripts: intron variant (8).
Genome position: GRCh38 VCF-style: chr17-45983207-GGCTTCCTCCGA-G. GRCh37 (hg19) VCF-style: chr17-44060573-GGCTTCCTCCGA-G.
Other names: c.405_415del, p.Phe136fs (NM_001123066.4, NM_016835.5); c.630_640del, p.Phe211fs (NM_001377266.1); c.200-3831_200-3821del (NM_001377268.1, NM_016834.5, NM_016841.5); c.374-3831_374-3821del (NM_005910.6, NM_001203252.2); c.287-3831_287-3821del (NM_001123067.4, NM_001203251.2, NM_001377267.1); short protein forms F136fs, F211fs.
Identifiers: ClinVar variation 665115 (VCV000665115.11), dbSNP rs768990943, ClinGen allele CA8617668.
Genomic context (GRCh38, chr17:45,983,207, plus strand): 5'-AAGCCCGCCACCACTGCGTATCTCCACACAGAGCCTGAAAGTGGTAAGGTGGTCCAGGAA[GGCTTCCTCCGA>G]GAGCCAGGCCCCCCAGGTCTGAGCCACCAGCTCATGTCCGGCATGCCTGGGGCTCCCCTC-3'